The following is an entry in ClinVar:

ClinVar aggregate classification (germline): Uncertain significance (1 of 4 stars; one submission).

Submission:

GeneDx
Classification: Uncertain significance. Last evaluated: 2025-04-02. Review status: criteria provided, single submitter. Criteria: GeneDx Variant Classification Process June 2021. Collection method: clinical testing. Allele origin: germline. Affected: yes.
Comment: Not observed at significant frequency in large population cohorts (gnomAD); In silico analysis indicates that this missense variant does not alter protein structure/function; Has not been previously published as pathogenic or benign to our knowledge

NM_001242896.3(DEPDC5):c.4536G>C (p.Gln1512His)

Gene: DEPDC5 (DEP domain containing 5, GATOR1 subcomplex subunit; plus strand). Cytogenetic location: 22q12.3.
Variant type: single nucleotide variant.
Coding change: c.4536G>C on transcript NM_001242896.3 (MANE Select); coding-DNA position 4536, G replaced by C.
Protein change: p.Gln1512His; replaces glutamine 1512 with histidine.
Molecular consequence: missense variant. On other transcripts: non-coding transcript variant (5).
Genome position (GRCh38, 1-based): chr22:31,906,221, G>C. VCF-style: chr22-31906221-G-C. GRCh37 (hg19) VCF-style: chr22-32302207-G-C.
Other names: c.4509G>C, p.Gln1503His (NM_001136029.4); c.4236G>C, p.Gln1412His (NM_001242897.2); c.4470G>C, p.Gln1490His (NM_001363852.2, NM_001364320.2); c.4302G>C, p.Gln1434His (NM_001363854.2, NM_001364319.2); c.4536G>C, p.Gln1512His (NM_001364318.2); c.4452G>C, p.Gln1484His (NM_001369901.1, NM_001369902.1); c.4443G>C, p.Gln1481His (NM_001369903.1, NM_014662.6); short protein forms Q1412H, Q1434H, Q1481H, Q1484H, Q1490H, Q1503H, Q1512H.
Identifiers: ClinVar variation 4278680 (VCV004278680.1).